The following is an entry in ClinVar:

NM_001164508.2(NEB):c.4185G>A (p.Met1395Ile)

Gene: NEB (nebulin; minus strand). Cytogenetic location: 2q23.3.
Variant type: single nucleotide variant.
Coding change: c.4185G>A on transcript NM_001164508.2 (MANE Select); coding-DNA position 4185, G replaced by A.
Protein change: p.Met1395Ile; replaces methionine 1395 with isoleucine.
Molecular consequence: missense variant.
Genome position (GRCh38, 1-based): chr2:151,672,483, C>T on the plus strand (G>A on the coding strand, the complement: NEB is on the minus strand). VCF-style: chr2-151672483-C-T. GRCh37 (hg19) VCF-style: chr2-152528997-C-T.
Other names: c.4185G>A, p.Met1395Ile (NM_001164507.2, NM_001271208.2, NM_004543.5); c.4185G>A (NM_004543.4); short protein forms M1395I.
Identifiers: ClinVar variation 2202344 (VCV002202344.6), dbSNP rs907444959, ClinGen allele CA57651061.

ClinVar aggregate classification (germline): Uncertain significance. Review status: criteria provided, multiple submitters, no conflicts (2 of 4 stars). 3 submissions from 3 submitters: Uncertain significance (3). Last evaluated 2024-12-07.

Conditions:
Inborn genetic diseases. Identifiers: MedGen C0950123, MeSH D030342.
Nemaline myopathy 2 (NEM2). Also called: Nemaline myopathy 2, autosomal recessive. Identifiers: MedGen C1850569, MONDO:0009725, OMIM 256030.

Allele frequency attached by ClinVar (database versions not stated): gnomAD exomes below 0.00001; TOPMed 0.00002.

Submissions (3):

Ambry Genetics
Classification: Uncertain significance for Inborn genetic diseases. Last evaluated: 2024-12-07. Review status: criteria provided, single submitter. Criteria: Ambry Variant Classification Scheme 2023. Collection method: clinical testing. Allele origin: germline.

Labcorp Genetics (formerly Invitae), Labcorp
Classification: Uncertain significance for Nemaline myopathy 2. Last evaluated: 2024-07-24. Review status: criteria provided, single submitter. Criteria: Invitae Variant Classification Sherloc (09022015). Collection method: clinical testing. Allele origin: germline.
Comment: This sequence change replaces methionine, which is neutral and non-polar, with isoleucine, which is neutral and non-polar, at codon 1395 of the NEB protein (p.Met1395Ile). This variant is not present in population databases (gnomAD no frequency). This variant has not been reported in the literature in individuals affected with NEB-related conditions. ClinVar contains an entry for this variant (Variation ID: 2202344). Experimental studies and prediction algorithms are not available or were not evaluated, and the functional significance of this variant is currently unknown. In summary, the available evidence is currently insufficient to determine the role of this variant in disease. Therefore, it has been classified as a Variant of Uncertain Significance.

Revvity Omics, Revvity
Classification: Uncertain significance. Last evaluated: 2020-07-10. Review status: criteria provided, single submitter. Criteria: ACMG Guidelines, 2015. Collection method: clinical testing. Allele origin: germline.